The following is an entry in ClinVar:

NM_015509.4(NECAP1):c.674C>G (p.Ala225Gly)

Gene: NECAP1 (NECAP endocytosis associated 1; plus strand). Cytogenetic location: 12p13.31.
Variant type: single nucleotide variant.
Coding change: c.674C>G on transcript NM_015509.4 (MANE Select); coding-DNA position 674, C replaced by G.
Protein change: p.Ala225Gly; replaces alanine 225 with glycine.
Molecular consequence: missense variant. On other transcripts: non-coding transcript variant (1).
Genome position (GRCh38, 1-based): chr12:8,093,053, C>G. VCF-style: chr12-8093053-C-G. GRCh37 (hg19) VCF-style: chr12-8245649-C-G.
Other names: short protein forms A225G.
Identifiers: ClinVar variation 1523362 (VCV001523362.6), dbSNP rs2120487076, ClinGen allele CA383801306.

ClinVar aggregate classification (germline): Uncertain significance (1 of 4 stars; one submission).

Conditions:
Developmental and epileptic encephalopathy, 21 (DEE21). Also called: Early infantile epileptic encephalopathy 21. Identifiers: Orphanet 442835, MedGen C4014430, MONDO:0014360, OMIM 615833.

Submission:

Labcorp Genetics (formerly Invitae), Labcorp
Classification: Uncertain significance for Developmental and epileptic encephalopathy, 21. Last evaluated: 2023-08-17. Review status: criteria provided, single submitter. Criteria: Invitae Variant Classification Sherloc (09022015). Collection method: clinical testing. Allele origin: germline.
Comment: In summary, the available evidence is currently insufficient to determine the role of this variant in disease. Therefore, it has been classified as a Variant of Uncertain Significance. An algorithm developed to predict the effect of missense changes on protein structure and function (PolyPhen-2) suggests that this variant is likely to be tolerated. ClinVar contains an entry for this variant (Variation ID: 1523362). This variant has not been reported in the literature in individuals affected with NECAP1-related conditions. This variant is not present in population databases (gnomAD no frequency). This sequence change replaces alanine, which is neutral and non-polar, with glycine, which is neutral and non-polar, at codon 225 of the NECAP1 protein (p.Ala225Gly).